The following is an entry in ClinVar:

NM_021224.6(ZNF462):c.2719G>A (p.Glu907Lys)

Gene: ZNF462 (zinc finger protein 462; plus strand). Cytogenetic location: 9q31.2.
Variant type: single nucleotide variant.
Coding change: c.2719G>A on transcript NM_021224.6 (MANE Select); coding-DNA position 2719, G replaced by A.
Protein change: p.Glu907Lys; replaces glutamic acid 907 with lysine.
Molecular consequence: missense variant.
Genome position (GRCh38, 1-based): chr9:106,926,631, G>A. VCF-style: chr9-106926631-G-A. GRCh37 (hg19) VCF-style: chr9-109688912-G-A.
Other names: c.2719G>A, p.Glu907Lys (NM_001347997.2); short protein forms E907K.
Identifiers: ClinVar variation 4980891 (VCV004980891.1).

ClinVar aggregate classification (germline): Likely benign (1 of 4 stars; one submission).

Conditions:
ZNF462-related disorder. Also called: ZNF462-related condition; ZNF462 related disease.

gnomAD v4.1: 395 of 1,613,894 alleles (0.024%); highest among the groups gnomAD compares: Admixed American, 0.087%; 1 homozygote.

Submission:

PreventionGenetics, part of Exact Sciences
Classification: Likely benign for ZNF462-related condition. Last evaluated: 2026-03-06. Review status: criteria provided, single submitter. Criteria: ACMG Guidelines, 2015. Collection method: clinical testing. Allele origin: germline.
Comment: This variant is classified as likely benign based on ACMG/AMP sequence variant interpretation guidelines (Richards et al. 2015 PMID: 25741868, with internal and published modifications).